The following is an entry in ClinVar:

ClinVar aggregate classification (germline): Pathogenic (1 of 4 stars; one submission).

Submission:

Labcorp Genetics (formerly Invitae), Labcorp
Classification: Pathogenic. Last evaluated: 2017-12-02. Review status: criteria provided, single submitter. Criteria: Invitae Variant Classification Sherloc (09022015). Collection method: clinical testing. Allele origin: germline.
Comment: This sequence change creates a premature translational stop signal (p.Ser505Valfs*52) in the TMPRSS15 gene. It is expected to result in an absent or disrupted protein product. This variant is not present in population databases (ExAC no frequency). This variant has not been reported in the literature in individuals with TMPRSS15-related disease. Loss-of-function variants in TMPRSS15 are known to be pathogenic (PMID: 11719902). For these reasons, this variant has been classified as Pathogenic.

Literature cited by the submitters: PubMed 11719902.

NM_002772.3(TMPRSS15):c.1512del (p.Ser505fs)

Gene: TMPRSS15 (transmembrane serine protease 15; minus strand). Cytogenetic location: 21q21.1.
Variant type: Deletion.
Coding change: c.1512del on transcript NM_002772.3 (MANE Select); coding-DNA position 1512, one base deleted (G; older notation c.1512delG).
Protein change: p.Ser505fs; shifts the reading frame from serine 505.
Molecular consequence: frameshift variant.
Genome position (GRCh38, 1-based): chr21:18,341,465, C deleted on the plus strand (G on the coding strand, the reverse complement: TMPRSS15 is on the minus strand); the first of 3 consecutive C bases (chr21:18,341,465-18,341,467); deleting any one gives the same sequence. VCF-style (leftmost placement, unchanged base first): chr21-18341464-TC-T. GRCh37 (hg19) VCF-style: chr21-19713781-TC-T.
Other names: short protein forms S505fs.
Identifiers: ClinVar variation 1028048 (VCV001028048.3), dbSNP rs2075445039, ClinGen allele CA2379765318.